The following is an entry in ClinVar:

NM_001044.5(SLC6A3):c.991G>C (p.Ala331Pro)

Gene: SLC6A3 (solute carrier family 6 member 3). Cytogenetic location: 5p15.33.
Variant type: single nucleotide variant.
Coding change: c.991G>C on transcript NM_001044.5 (MANE Select); coding-DNA position 991, G replaced by C.
Protein change: p.Ala331Pro; replaces alanine 331 with proline.
Molecular consequence: missense variant.
Genome position (GRCh38, 1-based): chr5:1,416,138, C>G on the plus strand (G>C on the coding strand, the complement: SLC6A3 is on the minus strand). VCF-style: chr5-1416138-C-G. GRCh37 (hg19) VCF-style: chr5-1416253-C-G.
Other names: short protein forms A331P.
Identifiers: ClinVar variation 973245 (VCV000973245.5), dbSNP rs1756285412, ClinGen allele CA359083958.
Genomic context (GRCh38, chr5:1,416,138, plus strand): 5'-TGGCCCTGCTAGGGGCTCACCTGTAGCAGTTGTTGGTGAACTTGTTGTAGCTGGAGAAGG[C>G]GATCAGCACCCCGAACCCCACGCCCAGGGAGAAGCACACCTGGGTGGCCGCGTCAATCCA-3'
Protein context (NP_001035.1, residues 321-341): SLGVGFGVLI[Ala331Pro]FSSYNKFTNN

ClinVar aggregate classification (germline): Uncertain significance (1 of 4 stars; one submission).

Conditions:
Classic dopamine transporter deficiency syndrome (PKDYS1). Also called: Parkinsonism-dystonia, infantile, 1; DOPAMINE TRANSPORTER DEFICIENCY SYNDROME. Identifiers: Orphanet 238455, MedGen C5700336, MONDO:0054835, OMIM 613135.

gnomAD v4.1: 1 of 1,613,992 alleles (0.000062%); highest among the groups gnomAD compares: Non-Finnish European, 0.000085%; no homozygotes.

Submission:

Institute for Genomic Medicine (IGM) Clinical Laboratory, Nationwide Children's Hospital
Classification: Uncertain significance for Classic dopamine transporter deficiency syndrome. Last evaluated: 2018-03-13. Review status: criteria provided, single submitter. Criteria: ACMG Guidelines, 2015. Collection method: clinical testing. Allele origin: germline. Affected: yes.
Comment: [ACMG/AMP: PM2, PP2, PP3] This alteration is absent from or rarely observed in large-scale population databases [PM2], is a missense variant in a gene in which missense variants are a common mechanism of disease [PP2], is predicted to be damaging by multiple functional prediction tools [PP3].